The following is an entry in ClinVar:

NM_001142864.4(PIEZO1):c.5988A>G (p.Ser1996=)

Gene: PIEZO1 (piezo type mechanosensitive ion channel component 1 (Er blood group); minus strand). Cytogenetic location: 16q24.3.
Variant type: single nucleotide variant.
Coding change: c.5988A>G on transcript NM_001142864.4 (MANE Select); coding-DNA position 5988, A replaced by G.
Protein change: p.Ser1996=; no amino-acid change (serine 1996 retained).
Molecular consequence: synonymous variant.
Genome position (GRCh38, 1-based): chr16:88,720,245, T>C on the plus strand (A>G on the coding strand, the complement: PIEZO1 is on the minus strand). VCF-style: chr16-88720245-T-C. GRCh37 (hg19) VCF-style: chr16-88786653-T-C.
Other names: p.Ser1996=.
Identifiers: ClinVar variation 721015 (VCV000721015.32), dbSNP rs370710857, ClinGen allele CA8231723.

ClinVar aggregate classification (germline): Conflicting classifications of pathogenicity. Review status: criteria provided, conflicting classifications (1 of 4 stars). 5 submissions from 5 submitters: Uncertain significance (1); Likely benign (4). Last evaluated 2026-06-01.

Allele frequency attached by ClinVar (database versions not stated): ExAC 0.00010; ESP Exome Variant Server 0.00022; gnomAD exomes 0.00023; gnomAD 0.00026 and 0.00027; TOPMed 0.00029; 1000 Genomes Project 0.00060; 1000 Genomes Project 30x 0.00078.

Submissions (5):

CeGaT Center for Human Genetics Tuebingen
Classification: Likely benign. Last evaluated: 2026-06-01. Review status: criteria provided, single submitter. Criteria: CeGaT Center For Human Genetics Tuebingen Variant Classification Criteria Version 2. Collection method: clinical testing. Allele origin: germline. Affected: yes. Observed: 2 variant alleles.
Comment: PIEZO1: BP7

Labcorp Genetics (formerly Invitae), Labcorp
Classification: Likely benign. Last evaluated: 2025-10-12. Review status: criteria provided, single submitter. Criteria: Invitae Variant Classification Sherloc (09022015). Collection method: clinical testing. Allele origin: germline.

Mayo Clinic Laboratories, Mayo Clinic
Classification: Uncertain significance. Last evaluated: 2025-07-18. Review status: criteria provided, single submitter. Criteria: ACMG Guidelines, 2015. Collection method: clinical testing. Allele origin: germline. Observed: 4 variant alleles.

Blueprint Genetics
Classification: Likely benign. Last evaluated: 2024-10-02. Review status: criteria provided, single submitter. Criteria: ACMG Guidelines, 2015. Collection method: clinical testing. Allele origin: germline.

ARUP Laboratories, Molecular Genetics and Genomics, ARUP Laboratories
Classification: Likely benign. Last evaluated: 2021-09-20. Review status: criteria provided, single submitter. Criteria: ARUP Molecular Germline Variant Investigation Process 2021. Collection method: clinical testing. Allele origin: germline.